The following is an entry in ClinVar:

ClinVar aggregate classification (germline): Uncertain significance (1 of 4 stars; one submission).

Conditions:
Cardiovascular phenotype. Identifiers: MedGen CN230736.

Allele frequency attached by ClinVar (database versions not stated): gnomAD 0.00003.
gnomAD v4.1: 4 of 1,613,508 alleles (0.00025%); highest among the groups gnomAD compares: African/African-American, 0.0053%; no homozygotes.

Submission:

Ambry Genetics
Classification: Uncertain significance for Cardiovascular phenotype. Last evaluated: 2023-08-29. Review status: criteria provided, single submitter. Criteria: Ambry Variant Classification Scheme 2023. Collection method: clinical testing. Allele origin: germline.
Comment: The p.Q305H variant (also known as c.915G>C), located in coding exon 11 of the CACNA2D1 gene, results from a G to C substitution at nucleotide position 915. The glutamine at codon 305 is replaced by histidine, an amino acid with highly similar properties. This amino acid position is conserved. In addition, this alteration is predicted to be tolerated by in silico analysis. Since supporting evidence is limited at this time, the clinical significance of this alteration remains unclear.

NM_000722.4(CACNA2D1):c.915G>C (p.Gln305His)

Gene: CACNA2D1 (calcium voltage-gated channel auxiliary subunit alpha2delta 1; minus strand). Cytogenetic location: 7q21.11.
Variant type: single nucleotide variant.
Coding change: c.915G>C on transcript NM_000722.4 (MANE Select); coding-DNA position 915, G replaced by C.
Protein change: p.Gln305His; replaces glutamine 305 with histidine.
Molecular consequence: missense variant.
Genome position (GRCh38, 1-based): chr7:82,038,200, C>G on the plus strand (G>C on the coding strand, the complement: CACNA2D1 is on the minus strand). VCF-style: chr7-82038200-C-G. GRCh37 (hg19) VCF-style: chr7-81667516-C-G.
Other names: c.915G>C, p.Gln305His (NM_001366867.1); short protein forms Q305H.
Identifiers: ClinVar variation 2585873 (VCV002585873.2), dbSNP rs1035951302, ClinGen allele CA367880111.